The following is an entry in ClinVar:

ClinVar aggregate classification (germline): Likely benign (1 of 4 stars; one submission).

Conditions:
FOXP1-related disorder. Also called: FOXP1-related condition.

gnomAD v4.1: 40 of 1,441,670 alleles (0.0028%); highest among the groups gnomAD compares: East Asian, 0.057%; no homozygotes.

Submission:

PreventionGenetics, part of Exact Sciences
Classification: Likely benign for FOXP1-related condition. Last evaluated: 2026-04-13. Review status: criteria provided, single submitter. Criteria: ACMG Guidelines, 2015. Collection method: clinical testing. Allele origin: germline.
Comment: This variant is classified as likely benign based on ACMG/AMP sequence variant interpretation guidelines (Richards et al. 2015 PMID: 25741868, with internal and published modifications).

NM_001349338.3(FOXP1):c.1652+530C>T

Gene: FOXP1 (forkhead box P1; minus strand). Cytogenetic location: 3p13.
Variant type: single nucleotide variant.
Coding change: c.1652+530C>T on transcript NM_001349338.3 (MANE Select); 530 bases into the intron after coding-DNA position 1652, C replaced by T.
Molecular consequence: intron variant. On other transcripts: synonymous variant (1).
Genome position (GRCh38, 1-based): chr3:70,972,025, G>A on the plus strand (C>T on the coding strand, the complement: FOXP1 is on the minus strand). VCF-style: chr3-70972025-G-A. GRCh37 (hg19) VCF-style: chr3-71021176-G-A.
Other names: c.1686C>T, p.Asp562= (NM_001244810.2); c.1652+530C>T (NM_032682.6, NM_001349340.3, NM_001244816.2 and 1 more transcripts); c.1649+530C>T (NM_001349341.3, NM_001244808.3); c.1424+530C>T (NM_001244812.3); c.1349+530C>T (NM_001349343.3, NM_001349337.2, NM_001370548.1 and 1 more transcripts); c.1352+530C>T (NM_001349342.3, NM_001244815.2, NM_001244813.3).
Identifiers: ClinVar variation 4998196 (VCV004998196.1).
Genomic context (GRCh38, chr3:70,972,025, plus strand): 5'-AAAGCAACAGCAGAAAAAAAAAACAAAAGCAAGTAAAGGCTCTTACTGTGCGACAAGCTC[G>A]TCAAAGTTTTCATCGGGGCAGTATTTGCGAGGACGGCCTCGTTGAATATGGCGGCCACGT-3'